The following is an entry in ClinVar:

NM_032444.4(SLX4):c.3251G>C (p.Arg1084Thr)

Gene: SLX4 (SLX4 structure-specific endonuclease subunit; minus strand). Cytogenetic location: 16p13.3.
Variant type: single nucleotide variant.
Coding change: c.3251G>C on transcript NM_032444.4 (MANE Select); coding-DNA position 3251, G replaced by C.
Protein change: p.Arg1084Thr; replaces arginine 1084 with threonine.
Molecular consequence: missense variant.
Genome position (GRCh38, 1-based): chr16:3,590,387, C>G on the plus strand (G>C on the coding strand, the complement: SLX4 is on the minus strand). VCF-style: chr16-3590387-C-G. GRCh37 (hg19) VCF-style: chr16-3640388-C-G.
Other names: short protein forms R1084T.
Identifiers: ClinVar variation 2735438 (VCV002735438.3), dbSNP rs2548213100, ClinGen allele CA394520634.

ClinVar aggregate classification (germline): Uncertain significance (1 of 4 stars; one submission).

Conditions:
Fanconi anemia (FA). Also called: Fanconi's anemia. Identifiers: Orphanet 84, MedGen C0015625, MeSH D005199, MONDO:0019391.

Allele frequency attached by ClinVar (database versions not stated): gnomAD exomes below 0.00001.
gnomAD v4.1: 1 of 1,614,240 alleles (0.000062%); highest among the groups gnomAD compares: Non-Finnish European, 0.000085%; no homozygotes.

Submission:

Labcorp Genetics (formerly Invitae), Labcorp
Classification: Uncertain significance for Fanconi anemia. Last evaluated: 2023-07-03. Review status: criteria provided, single submitter. Criteria: Invitae Variant Classification Sherloc (09022015). Collection method: clinical testing. Allele origin: germline.
Comment: This sequence change replaces arginine, which is basic and polar, with threonine, which is neutral and polar, at codon 1084 of the SLX4 protein (p.Arg1084Thr). This variant is not present in population databases (gnomAD no frequency). This variant has not been reported in the literature in individuals affected with SLX4-related conditions. An algorithm developed to predict the effect of missense changes on protein structure and function (PolyPhen-2) suggests that this variant is likely to be tolerated. In summary, the available evidence is currently insufficient to determine the role of this variant in disease. Therefore, it has been classified as a Variant of Uncertain Significance.